The following is an entry in ClinVar:

ClinVar aggregate classification (germline): Pathogenic. Review status: criteria provided, multiple submitters, no conflicts (2 of 4 stars). 2 submissions from 2 submitters: Pathogenic (2). Last evaluated 2025-08-11.

Conditions:
Developmental and epileptic encephalopathy 116. Identifiers: MedGen C5935615, MONDO:0970945, OMIM 620806.

gnomAD v4.1: 48 of 1,609,968 alleles (0.003%); highest among the groups gnomAD compares: Admixed American, 0.013%; no homozygotes.

Submissions (2):

Variantyx, Inc.
Classification: Pathogenic for Developmental and epileptic encephalopathy 116. Last evaluated: 2025-08-11. Review status: criteria provided, single submitter. Criteria: Variantyx Assertion Criteria 2022. Collection method: clinical testing. Allele origin: germline. Inheritance: Autosomal recessive inheritance. Affected: yes.
Comment: This is a nonsense variant in the ASPM gene (OMIM: 605481). Pathogenic variants in this gene have been associated with autosomal recessive primary microcephaly 5. This variant introduces a premature termination codon in exon 18 out of 28 and is expected to result in loss of function, which is a known disease mechanism for ASPM in this disorder (PMID: 19028728, 23611254) (PVS1). It has a 0.0134% maximum allele frequency in non-founder control populations (PM2) and it has been reported in the homozygous state in at least one affected individual (PMID: 36553645). Based on the current evidence, this variant is classified as pathogenic for autosomal recessive primary microcephaly 5.

GeneDx
Classification: Pathogenic. Last evaluated: 2025-07-30. Review status: criteria provided, single submitter. Criteria: GeneDx Variant Classification Process June 2021. Collection method: clinical testing. Allele origin: germline. Affected: yes.
Comment: Observed in homozygous state in a patient with features consistent with an ASPM-related disorder; however, this patient also harbored additional homozygous variants (PMID: 36553645); Nonsense variant predicted to result in protein truncation or nonsense mediated decay in a gene for which loss of function is a known mechanism of disease; This variant is associated with the following publications: (PMID: 36553645)

Literature cited by the submitters: PubMed 19028728 (cited by Variantyx, Inc.); PubMed 23611254 (cited by Variantyx, Inc.).

NM_018136.5(ASPM):c.4174C>T (p.Arg1392Ter)

Gene: ASPM (assembly factor for spindle microtubules; minus strand). Cytogenetic location: 1q31.3.
Variant type: single nucleotide variant.
Coding change: c.4174C>T on transcript NM_018136.5 (MANE Select); coding-DNA position 4174, C replaced by T.
Protein change: p.Arg1392Ter; replaces arginine 1392 with a stop codon.
Molecular consequence: nonsense. On other transcripts: intron variant (1).
Genome position (GRCh38, 1-based): chr1:197,105,077, G>A on the plus strand (C>T on the coding strand, the complement: ASPM is on the minus strand). VCF-style: chr1-197105077-G-A. GRCh37 (hg19) VCF-style: chr1-197074207-G-A.
Other names: c.4066-8913C>T (NM_001206846.2); short protein forms R1392*.
Identifiers: ClinVar variation 4689826 (VCV004689826.1).